The following is an entry in ClinVar:

NM_000702.4(ATP1A2):c.3035-286G>A

Gene: ATP1A2 (ATPase Na+/K+ transporting subunit alpha 2; plus strand). Cytogenetic location: 1q23.2.
Variant type: single nucleotide variant.
Coding change: c.3035-286G>A on transcript NM_000702.4 (MANE Select); 286 bases into the intron before coding-DNA position 3035, G replaced by A.
Molecular consequence: intron variant.
Genome position (GRCh38, 1-based): chr1:160,141,008, G>A. VCF-style: chr1-160141008-G-A. GRCh37 (hg19) VCF-style: chr1-160110798-G-A.
Identifiers: ClinVar variation 671314 (VCV000671314.1), dbSNP rs148661763, ClinGen allele CA31506949.

ClinVar aggregate classification (germline): Likely benign (1 of 4 stars; one submission).

Allele frequency attached by ClinVar (database versions not stated): 1000 Genomes Project 0.00819; 1000 Genomes Project 30x 0.00843; TOPMed 0.01093; gnomAD 0.01097 and 0.01110.
gnomAD v4.1: 1,678 of 151,930 alleles (1.1%); highest among the groups gnomAD compares: East Asian, 1.9%; 9 homozygotes.

Submission:

GeneDx
Classification: Likely benign. Last evaluated: 2018-06-14. Review status: criteria provided, single submitter. Criteria: GeneDx Variant Classification (06012015). Collection method: clinical testing. Allele origin: germline. Affected: yes.
Comment: This variant is considered likely benign or benign based on one or more of the following criteria: it is a conservative change, it occurs at a poorly conserved position in the protein, it is predicted to be benign by multiple in silico algorithms, and/or has population frequency not consistent with disease.